The following is an entry in ClinVar:

ClinVar aggregate classification (germline): Uncertain significance (1 of 4 stars; one submission).

gnomAD v4.1: 7 of 1,610,986 alleles (0.00043%); highest among the groups gnomAD compares: Non-Finnish European, 0.00059%; no homozygotes.

Submission:

Labcorp Genetics (formerly Invitae), Labcorp
Classification: Uncertain significance. Last evaluated: 2022-08-22. Review status: criteria provided, single submitter. Criteria: Invitae Variant Classification Sherloc (09022015). Collection method: clinical testing. Allele origin: germline.
Comment: In summary, the available evidence is currently insufficient to determine the role of this variant in disease. Therefore, it has been classified as a Variant of Uncertain Significance. Algorithms developed to predict the effect of missense changes on protein structure and function (SIFT, PolyPhen-2, Align-GVGD) all suggest that this variant is likely to be tolerated. This variant has not been reported in the literature in individuals affected with IL6ST-related conditions. This variant is not present in population databases (gnomAD no frequency). This sequence change replaces aspartic acid, which is acidic and polar, with alanine, which is neutral and non-polar, at codon 56 of the IL6ST protein (p.Asp56Ala).

NM_002184.4(IL6ST):c.167A>C (p.Asp56Ala)

Gene: IL6ST (interleukin 6 cytokine family signal transducer; minus strand). Cytogenetic location: 5q11.2.
Variant type: single nucleotide variant.
Coding change: c.167A>C on transcript NM_002184.4 (MANE Select); coding-DNA position 167, A replaced by C.
Protein change: p.Asp56Ala; replaces aspartic acid 56 with alanine.
Molecular consequence: missense variant. On other transcripts: 5 prime UTR variant (3), non-coding transcript variant (2), intron variant (1).
Genome position (GRCh38, 1-based): chr5:55,969,753, T>G on the plus strand (A>C on the coding strand, the complement: IL6ST is on the minus strand). VCF-style: chr5-55969753-T-G. GRCh37 (hg19) VCF-style: chr5-55265581-T-G.
Other names: c.167A>C, p.Asp56Ala (NM_001190981.2, NM_001364275.2, NM_175767.3); c.-626A>C (NM_001364277.2, NM_001364279.2); c.-616A>C (NM_001364278.2); c.160+7A>C (NM_001364276.2); short protein forms D56A.
Identifiers: ClinVar variation 2097959 (VCV002097959.4), dbSNP rs779377073, ClinGen allele CA359770717.
Genomic context (GRCh38, chr5:55,969,753, plus strand): 5'-TTAGGAATAGTAAAATGGTTTGTTTTCCAGACAATGTAATTAGCATTTACATGAAAATAA[T>G]CCATACATTTTTCCTTTAGCACACAAACTGCAGTGAAATTAGAATGAAGTTGTACAACTG-3'
Protein context (NP_002175.2, residues 46-66): AVCVLKEKCM[Asp56Ala]YFHVNANYIV